The following is an entry in ClinVar:

ClinVar aggregate classification (germline): Pathogenic (1 of 4 stars; one submission).

Conditions:
Autosomal recessive limb-girdle muscular dystrophy type 2Y (MRRSDC). Also called: Muscular dystrophy, limb-girdle, type 2y; Muscular dystrophy, autosomal recessive, with rigid spine and distal joint contractures. Identifiers: Orphanet 424261, MedGen C4511482, MONDO:0014900, OMIM 617072.

Submission:

Labcorp Genetics (formerly Invitae), Labcorp
Classification: Pathogenic for Autosomal recessive limb-girdle muscular dystrophy type 2Y. Last evaluated: 2020-02-22. Review status: criteria provided, single submitter. Criteria: Invitae Variant Classification Sherloc (09022015). Collection method: clinical testing. Allele origin: germline.
Comment: This sequence change creates a premature translational stop signal (p.Asp4Glyfs*52) in the TOR1AIP1 gene. It is expected to result in an absent or disrupted protein product. The frequency data for this variant in the population databases is considered unreliable, as metrics indicate insufficient coverage at this position in the ExAC database. This variant has not been reported in the literature in individuals with TOR1AIP1-related conditions. Loss-of-function variants in TOR1AIP1 are known to be pathogenic (PMID: 4856141, 27342937). For these reasons, this variant has been classified as Pathogenic.

Literature cited by the submitters: PubMed 4856141; PubMed 27342937.

NM_015602.4(TOR1AIP1):c.11_17del (p.Asp4fs)

Genes: TOR1AIP1 (torsin 1A interacting protein 1; plus strand), LOC112577517 (Sharpr-MPRA regulatory region 13766; plus strand). Cytogenetic location: 1q25.2.
Variant type: Deletion.
Coding change: c.11_17del on transcript NM_015602.4 (MANE Select); coding-DNA positions 11 to 17, 7 bases deleted (ACGGGCG; older notation c.11_17delACGGGCG).
Protein change: p.Asp4fs; shifts the reading frame from aspartic acid 4.
Molecular consequence: frameshift variant.
Genome position (GRCh38, 1-based): chr1:179,882,513-179,882,519, ACGGGCG deleted; deleting any 7 consecutive bases within chr1:179,882,507-179,882,519 gives the same sequence; the c. name uses the placement nearest the transcript's 3' end. VCF-style (leftmost placement, unchanged base first): chr1-179882506-GCGGGCGA-G. GRCh37 (hg19) VCF-style: chr1-179851641-GCGGGCGA-G.
Other names: c.11_17del, p.Asp4fs (NM_001267578.2); short protein forms D4fs.
Identifiers: ClinVar variation 959057 (VCV000959057.7), dbSNP rs1647734130, ClinGen allele CA1139656429.
Genomic context (GRCh38, chr1:179,882,506, plus strand): 5'-GAGAACCTAGGGTCCATAAAGCCATCTTCGCGATCGACTAAAGCTACGTCAACAACTATG[GCGGGCGA>G]CGGGCGGCGGGCAGAGGCGGTGCGGGAAGGATGGGGTGTGTACGTCACCCCCAGGGCCCC-3'